The following is an entry in ClinVar:

NM_003672.4(CDC14A):c.819C>G (p.Ala273=)

Gene: CDC14A (cell division cycle 14A; plus strand). Cytogenetic location: 1p21.2.
Variant type: single nucleotide variant.
Coding change: c.819C>G on transcript NM_003672.4 (MANE Select); coding-DNA position 819, C replaced by G.
Protein change: p.Ala273=; no amino-acid change (alanine 273 retained).
Molecular consequence: synonymous variant. On other transcripts: 5 prime UTR variant (1).
Genome position (GRCh38, 1-based): chr1:100,462,862, C>G. VCF-style: chr1-100462862-C-G. GRCh37 (hg19) VCF-style: chr1-100928418-C-G.
Other names: c.819C>G, p.Ala273= (NM_001319210.2, NM_033312.3, NM_033313.3); c.645C>G, p.Ala215= (NM_001319211.2); c.-61C>G (NM_001319212.2).
Identifiers: ClinVar variation 508571 (VCV000508571.55), dbSNP rs28364884, ClinGen allele CA970696.

ClinVar aggregate classification (germline): Benign/Likely benign. Review status: criteria provided, multiple submitters, no conflicts (2 of 4 stars). 7 submissions from 7 submitters: Benign (4); Likely benign (2). 1 of the submissions does not count toward it. Last evaluated 2026-09-01.

Conditions:
CDC14A-related disorder. Also called: CDC14A-related condition.

Allele frequency attached by ClinVar (database versions not stated): 1000 Genomes Project 0.00200; 1000 Genomes Project 30x 0.00219; ExAC 0.00381; gnomAD exomes 0.00382; gnomAD 0.00420 and 0.00453; ESP Exome Variant Server 0.00446; TOPMed 0.00483.
gnomAD v4.1: 9,731 of 1,613,722 alleles (0.6%); highest among the groups gnomAD compares: Non-Finnish European, 0.75%; 44 homozygotes.

Submissions (7):

CeGaT Center for Human Genetics Tuebingen
Classification: Likely benign. Last evaluated: 2026-09-01. Review status: criteria provided, single submitter. Criteria: CeGaT Center For Human Genetics Tuebingen Variant Classification Criteria Version 2. Collection method: clinical testing. Allele origin: germline. Affected: yes. Observed: 17 variant alleles.
Comment: CDC14A: BP4, BP7, BS2

Labcorp Genetics (formerly Invitae), Labcorp
Classification: Benign. Last evaluated: 2026-01-26. Review status: criteria provided, single submitter. Criteria: Invitae Variant Classification Sherloc (09022015). Collection method: clinical testing. Allele origin: germline.

Blueprint Genetics
Classification: Likely benign. Last evaluated: 2024-11-20. Review status: criteria provided, single submitter. Criteria: ACMG Guidelines, 2015. Collection method: clinical testing. Allele origin: germline.

Athena Diagnostics
Classification: Benign. Last evaluated: 2018-12-27. Review status: criteria provided, single submitter. Criteria: Athena Diagnostics Criteria. Collection method: clinical testing. Allele origin: germline.

GeneDx
Classification: Benign. Last evaluated: 2018-04-10. Review status: criteria provided, single submitter. Criteria: GeneDx Variant Classification Process June 2021. Collection method: clinical testing. Allele origin: germline. Affected: yes.

Laboratory for Molecular Medicine, Mass General Brigham Personalized Medicine
Classification: Benign. Last evaluated: 2017-08-23. Review status: criteria provided, single submitter. Criteria: LMM Criteria. Collection method: clinical testing. Allele origin: germline. Observed: 4 variant alleles.
Comment: p.Ala273Ala in exon 9 of CDC14A: This variant is not expected to have clinical s ignificance because it does not alter an amino acid residue, is not located with in the splice consensus sequence, and has been identified in 0.58% (379/65906) o f European chromosomes by the Exome Aggregation Consortium (ExAC; dbSNP rs28364884).

PreventionGenetics, part of Exact Sciences
Classification: Likely benign for CDC14A-related condition. Last evaluated: 2019-11-22. Review status: no assertion criteria provided. Collection method: clinical testing. Allele origin: germline. Not counted in ClinVar's aggregate classification.
Comment: This variant is classified as likely benign based on ACMG/AMP sequence variant interpretation guidelines (Richards et al. 2015 PMID: 25741868, with internal and published modifications).